The following is an entry in ClinVar:

NM_000213.5(ITGB4):c.614del (p.Asn205fs)

Gene: ITGB4 (integrin subunit beta 4; plus strand). Cytogenetic location: 17q25.1.
Variant type: Deletion.
Coding change: c.614del on transcript NM_000213.5 (MANE Select); coding-DNA position 614, one base deleted (A; older notation c.614delA).
Protein change: p.Asn205fs; shifts the reading frame from asparagine 205.
Molecular consequence: frameshift variant.
Genome position (GRCh38, 1-based): chr17:75,729,312, A deleted; the last of 2 consecutive A bases (chr17:75,729,311-75,729,312); deleting either gives the same sequence. VCF-style (leftmost placement, unchanged base first): chr17-75729310-GA-G. GRCh37 (hg19) VCF-style: chr17-73725391-GA-G.
Other names: c.614delA, p.Asn205Thrfs (NM_001005619.2); c.614del, p.Asn205fs (NM_001005731.3, NM_001321123.2); short protein forms N205fs.
Identifiers: ClinVar variation 2713609 (VCV002713609.4), dbSNP rs777636050, ClinGen allele CA8768731.

ClinVar aggregate classification (germline): Pathogenic/Likely pathogenic. Review status: criteria provided, multiple submitters, no conflicts (2 of 4 stars). 2 submissions from 2 submitters: Pathogenic (1); Likely pathogenic (1). Last evaluated 2024-04-10.

Conditions:
Junctional epidermolysis bullosa with pyloric atresia. Also called: EPIDERMOLYSIS BULLOSA, JUNCTIONAL 5B, WITH PYLORIC ATRESIA; APLASIA CUTIS CONGENITA WITH GASTROINTESTINAL ATRESIA; CARMI SYNDROME; EB-PA-ACC; Epidermolysis bullosa, junctional, with pyloric atresia and aplasia cutis congenita; Epidermolysis bullosa junctionalis with pyloric atresia. Identifiers: Orphanet 79403, MedGen C5676875, MONDO:0009183, OMIM 226730.
Epidermolysis bullosa, junctional 5A, intermediate. Also called: EPIDERMOLYSIS BULLOSA, JUNCTIONAL 5A, GENERALIZED INTERMEDIATE; EPIDERMOLYSIS BULLOSA, JUNCTIONAL 5A, NON-HERLITZ TYPE. Identifiers: MedGen C5676956, MONDO:0030768, OMIM 619816.

Submissions (2):

Fulgent Genetics
Classification: Likely pathogenic for Junctional epidermolysis bullosa with pyloric atresia; Epidermolysis bullosa, junctional 5A, intermediate. Last evaluated: 2024-04-10. Review status: criteria provided, single submitter. Criteria: ACMG Guidelines, 2015. Collection method: clinical testing. Allele origin: germline.

Labcorp Genetics (formerly Invitae), Labcorp
Classification: Pathogenic. Last evaluated: 2023-08-16. Review status: criteria provided, single submitter. Criteria: Invitae Variant Classification Sherloc (09022015). Collection method: clinical testing. Allele origin: germline.
Comment: This variant is present in population databases (rs777636050, gnomAD 0.01%). For these reasons, this variant has been classified as Pathogenic. Algorithms developed to predict the effect of sequence changes on RNA splicing suggest that this variant may disrupt the consensus splice site. This variant has not been reported in the literature in individuals affected with ITGB4-related conditions. This sequence change creates a premature translational stop signal (p.Asn205Thrfs*5) in the ITGB4 gene. It is expected to result in an absent or disrupted protein product. Loss-of-function variants in ITGB4 are known to be pathogenic (PMID: 11328943, 16473856).

Literature cited by the submitters: PubMed 11328943 (cited by Labcorp Genetics (formerly Invitae), Labcorp); PubMed 16473856 (cited by Labcorp Genetics (formerly Invitae), Labcorp).